The following is an entry in ClinVar:

NM_001165963.4(SCN1A):c.4244T>C (p.Phe1415Ser)

Genes: SCN1A (sodium voltage-gated channel alpha subunit 1; minus strand), LOC102724058 (uncharacterized LOC102724058; plus strand). Cytogenetic location: 2q24.3.
Variant type: single nucleotide variant.
Coding change: c.4244T>C on transcript NM_001165963.4 (MANE Select); coding-DNA position 4244, T replaced by C.
Protein change: p.Phe1415Ser; replaces phenylalanine 1415 with serine.
Molecular consequence: missense variant. On other transcripts: non-coding transcript variant (1).
Genome position (GRCh38, 1-based): chr2:166,002,512, A>G on the plus strand (T>C on the coding strand, the complement: SCN1A is on the minus strand). VCF-style: chr2-166002512-A-G. GRCh37 (hg19) VCF-style: chr2-166859022-A-G.
Other names: c.4160T>C, p.Phe1387Ser (NM_001165964.3, NM_001353957.2, NM_001353958.2); c.4244T>C, p.Phe1415Ser (NM_001202435.3, NM_001353948.2); c.4211T>C, p.Phe1404Ser (NM_001353949.2, NM_001353950.2, NM_001353951.2 and 2 more transcripts); c.4208T>C, p.Phe1403Ser (NM_001353954.2, NM_001353955.2); c.4157T>C, p.Phe1386Ser (NM_001353960.2); c.1802T>C, p.Phe601Ser (NM_001353961.2); short protein forms F1387S, F1415S, F1386S, F1403S, F1404S, F601S.
Identifiers: ClinVar variation 856106 (VCV000856106.10), dbSNP rs1691039670, ClinGen allele CA349049945.

ClinVar aggregate classification (germline): Pathogenic (1 of 4 stars; one submission).

Conditions:
Early-infantile DEE. Also called: Ohtahara syndrome; Early infantile epileptic encephalopathy with suppression bursts; Early infantile epileptic encephalopathy. Identifiers: Orphanet 1934, MedGen C0393706, MONDO:0800491.

Submission:

Labcorp Genetics (formerly Invitae), Labcorp
Classification: Pathogenic for Early-infantile DEE. Last evaluated: 2023-07-13. Review status: criteria provided, single submitter. Criteria: Invitae Variant Classification Sherloc (09022015). Collection method: clinical testing. Allele origin: germline.
Comment: ClinVar contains an entry for this variant (Variation ID: 856106). This missense change has been observed in individual(s) with SCN1A-related epileptic encephalopathy (Invitae). In at least one individual the variant was observed to be de novo. This variant is not present in population databases (gnomAD no frequency). This sequence change replaces phenylalanine, which is neutral and non-polar, with serine, which is neutral and polar, at codon 1415 of the SCN1A protein (p.Phe1415Ser). Advanced modeling of protein sequence and biophysical properties (such as structural, functional, and spatial information, amino acid conservation, physicochemical variation, residue mobility, and thermodynamic stability) performed at Invitae indicates that this missense variant is expected to disrupt SCN1A protein function. For these reasons, this variant has been classified as Pathogenic.